The following is an entry in ClinVar:

ClinVar aggregate classification (germline): Pathogenic (1 of 4 stars; one submission).

Conditions:
Perlman syndrome (PRLMNS). Identifiers: Orphanet 2849, MedGen C0796113, MONDO:0009965, OMIM 267000.

Submission:

Labcorp Genetics (formerly Invitae), Labcorp
Classification: Pathogenic for Perlman syndrome. Last evaluated: 2022-08-08. Review status: criteria provided, single submitter. Criteria: Invitae Variant Classification Sherloc (09022015). Collection method: clinical testing. Allele origin: germline.
Comment: For these reasons, this variant has been classified as Pathogenic. This variant has not been reported in the literature in individuals affected with DIS3L2-related conditions. This variant is not present in population databases (gnomAD no frequency). This sequence change creates a premature translational stop signal (p.Cys303Leufs*19) in the DIS3L2 gene. It is expected to result in an absent or disrupted protein product. Loss-of-function variants in DIS3L2 are known to be pathogenic (PMID: 22306653, 28328139).

Literature cited by the submitters: PubMed 22306653; PubMed 28328139.

NM_152383.5(DIS3L2):c.906dup (p.Cys303fs)

Gene: DIS3L2 (DIS3 like 3'-5' exoribonuclease 2; plus strand). Cytogenetic location: 2q37.1.
Variant type: Duplication.
Coding change: c.906dup on transcript NM_152383.5 (MANE Select); coding-DNA position 906, one base duplicated (C; older notation c.906dupC).
Protein change: p.Cys303fs; shifts the reading frame from cysteine 303.
Molecular consequence: frameshift variant. On other transcripts: non-coding transcript variant (1).
Genome position (GRCh38, 1-based): chr2:232,136,675, C duplicated. VCF-style (leftmost placement, unchanged base first): chr2-232136674-T-TC. GRCh37 (hg19) VCF-style: chr2-233001384-T-TC.
Other names: c.906dup, p.Cys303fs (NM_001257281.2); short protein forms C303fs.
Identifiers: ClinVar variation 2022239 (VCV002022239.4), dbSNP rs2469848763, ClinGen allele CA2580066043.
Genomic context (GRCh38, chr2:232,136,674, plus strand): 5'-TCAAGGACTGTCCCCAGGACTTTGTGGCACGGCCTAAAGATTATGCCAACACACTGTTCA[T>TC]CTGCCGCATTGTGGACTGGAAGGAGGACTGCAATTTTGCCCTGGGGTAGGTGATCTCTGG-3'